The following is an entry in ClinVar:

ClinVar aggregate classification (germline): Conflicting classifications of pathogenicity. Review status: criteria provided, conflicting classifications (1 of 4 stars). 9 submissions from 9 submitters: Pathogenic (1); Likely pathogenic (5); Uncertain significance (3). Last evaluated 2025-12-29.

Conditions:
Cardiovascular phenotype. Identifiers: MedGen CN230736.
Cardiomyopathy (CMYO). Also called: Cardiomyopathies. Identifiers: Orphanet 167848, MedGen C0878544, MONDO:0004994, HP:0001638. Inheritance: Various modes of inheritance.
Primary familial hypertrophic cardiomyopathy (HCM). Identifiers: Orphanet 99739, MedGen C0949658, MeSH D024741, MONDO:0024573. Inheritance: Various modes of inheritance.
Hypertrophic cardiomyopathy. Also called: HYPERTROPHIC MYOCARDIOPATHY. Identifiers: Orphanet 217569, MedGen C0007194, MeSH D002312, MONDO:0005045, HP:0001639.
MYH7-related disorder. Also called: MYH7-related condition; MYH7-related disease; MYH7-related disorders.
Hypertrophic cardiomyopathy 1 (CMH1). Also called: Familial hypertrophic cardiomyopathy 1; MYH7-Related Familial Hypertrophic Cardiomyopathy. Identifiers: MedGen C3495498, MONDO:0008647, OMIM 192600.

Allele frequency attached by ClinVar (database versions not stated): gnomAD 0.00001; TOPMed 0.00002; 1000 Genomes Project 30x 0.00016; 1000 Genomes Project 0.00020.
gnomAD v4.1: 24 of 1,614,226 alleles (0.0015%); highest among the groups gnomAD compares: Admixed American, 0.0033%; no homozygotes.

Submissions (9):

Labcorp Genetics (formerly Invitae), Labcorp
Classification: Uncertain significance for Hypertrophic cardiomyopathy. Last evaluated: 2025-12-29. Review status: criteria provided, single submitter. Criteria: Invitae Variant Classification Sherloc (09022015). Collection method: clinical testing. Allele origin: germline.
Comment: This sequence change replaces arginine, which is basic and polar, with histidine, which is basic and polar, at codon 858 of the MYH7 protein (p.Arg858His). This variant is present in population databases (rs2856897, gnomAD 0.007%). This missense change has been observed in individual(s) with hypertrophic cardiomyopathy (PMID: 15563892, 25351510, 27532257, 31980526, 37121957, 37652022). ClinVar contains an entry for this variant (Variation ID: 177696). Invitae Evidence Modeling of protein sequence and biophysical properties (such as structural, functional, and spatial information, amino acid conservation, physicochemical variation, residue mobility, and thermodynamic stability) has been performed for this missense variant. However, the output from this modeling did not meet the statistical confidence thresholds required to predict the impact of this variant on MYH7 protein function. This variant disrupts the p.Arg858 amino acid residue in MYH7. Other variant(s) that disrupt this residue have been determined to be pathogenic (PMID: 15358028, 24093860, 28498465). This suggests that this residue is clinically significant, and that variants that disrupt this residue are likely to be disease-causing. In summary, the available evidence is currently insufficient to determine the role of this variant in disease. Therefore, it has been classified as a Variant of Uncertain Significance.

Petrovsky National Research Centre of Surgery, The Federal Agency for Scientific Organizations
Classification: Likely pathogenic for Primary familial hypertrophic cardiomyopathy. Last evaluated: 2025-12-11. Review status: criteria provided, single submitter. Criteria: ACMG Guidelines, 2015. Collection method: clinical testing. Allele origin: germline. Affected: yes. Observed: 1 variant allele.
Comment: The variant is in The Genome Aggregation Database (gnomAD) v4.1.0 with total 0.000002478. (Date of access 2025-12-11). In accordance with ACMG (2015) criteria this variant is classified as Likely pathogenic with following criteria selected: PS4_Supporting, PM2, PP3, PM1.

3billion
Classification: Pathogenic for Hypertrophic cardiomyopathy 1. Last evaluated: 2025-07-07. Review status: criteria provided, single submitter. Criteria: ACMG Guidelines, 2015. Collection method: clinical testing. Allele origin: germline. Affected: yes.
Comment: The variant is observed at an extremely low frequency in the gnomAD v4.1.0 dataset (total allele frequency: 0.001%). Predicted Consequence/Location: The variant is located in a mutational hot spot and/or well-established functional domain in which established pathogenic variants have been reported (PMID: 29300372). In silico tool predictions suggest damaging effect of the variant on gene or gene product [3Cnet: 0.97 (> 0.75, sensitivity 0.96 and precision 0.92)]. The same nucleotide change resulting in the same amino acid change has been previously reported as pathogenic/likely pathogenic with strong evidence (ClinVar ID: VCV000177696 /PMID: 15563892). Different missense changes at the same codon (p.Arg858Cys, p.Arg858Gly, p.Arg858Leu, p.Arg858Pro, p.Arg858Ser) have been reported as pathogenic/likely pathogenic with strong evidence (ClinVar ID: VCV000164324, VCV000164325, VCV000520277, VCV003071078 /PMID: 15358028, 16858239, 25228707). Therefore, this variant is classified as Pathogenic according to the recommendation of ACMG/AMP guideline.

Color Diagnostics, LLC DBA Color Health
Classification: Likely pathogenic for Cardiomyopathy. Last evaluated: 2025-06-09. Review status: criteria provided, single submitter. Criteria: ACMG Guidelines, 2015. Collection method: clinical testing. Allele origin: germline.
Comment: This missense variant replaces arginine with histidine at codon 858 of the MYH7 protein. Computational prediction tool is inconclusive regarding the impact of this variant on protein structure and function. To our knowledge, functional studies have not been reported for this variant. This variant has been reported in individuals affected with hypertrophic cardiomyopathy (PMID: 15563892, 24111713, 25351510, 27532257, 28759816, 31980526, 37121957). This variant has been identified in 3/251456 chromosomes in the general population by the Genome Aggregation Database (gnomAD). Different missense variants occurring at the same codon, p.Arg858Cys and p.Arg858Pro, are known to be disease-causing (ClinVar variation ID: 164324, 520277), suggesting that arginine at this position is important for MYH7 protein function. Based on the available evidence, this variant is classified as Likely Pathogenic.

GeneDx
Classification: Likely pathogenic. Last evaluated: 2025-03-28. Review status: criteria provided, single submitter. Criteria: GeneDx Variant Classification Process June 2021. Collection method: clinical testing. Allele origin: germline. Affected: yes.
Comment: Identified in patients with HCM referred for genetic testing at GeneDx and in the published literature (PMID: 24111713, 15563892, 25351510, 27532257, 35653365, 37652022); Not observed at significant frequency in large population cohorts (gnomAD); In silico analysis indicates that this missense variant does not alter protein structure/function; This variant is associated with the following publications: (PMID: 22763267, 27532257, 27247418, 25351510, 26332594, 24111713, 23403236, 31980526, 34426522, 15563892, 35653365, 37652022, 29300372)

Ambry Genetics
Classification: Uncertain significance for Cardiovascular phenotype. Last evaluated: 2024-02-07. Review status: criteria provided, single submitter. Criteria: Ambry Variant Classification Scheme 2023. Collection method: clinical testing. Allele origin: germline.
Comment: The p.R858H variant (also known as c.2573G>A), located in coding exon 20 of the MYH7 gene, results from a G to A substitution at nucleotide position 2573. The arginine at codon 858 is replaced by histidine, an amino acid with highly similar properties. This alteration is located in the myosin head domain, which contains a statistically significant clustering of pathogenic missense variants (Homburger JR et al. Proc Natl Acad Sci U S A, 2016 06;113:6701-6; Walsh R et al. Genet Med, 2017 02;19:192-203; Ambry internal data). This alteration has been reported in hypertrophic cardiomyopathy (HCM) cohorts; however, clinical details were limited (Song L et al. Clin. Chim. Acta. 2005;351:209-16; Golbus JR et al. Circ Cardiovasc Genet. 2012;5:391-9; Berge KE and Leren TP. Clin. Genet. 2014;86:355-60; Lopes LR et al. Heart. 2015;101:294-301; Walsh R et al. Genet. Med. 2017;19:192-203). This amino acid position is not well conserved in available vertebrate species. In addition, the in silico prediction for this alteration is inconclusive. Since supporting evidence is limited at this time, the clinical significance of this alteration remains unclear.

Women's Health and Genetics/Laboratory Corporation of America, LabCorp
Classification: Uncertain significance. Last evaluated: 2023-09-15. Review status: criteria provided, single submitter. Criteria: LabCorp Variant Classification Summary - May 2015. Collection method: clinical testing. Allele origin: germline.
Comment: Variant summary: MYH7 c.2573G>A (p.Arg858His) results in a non-conservative amino acid change located in the Myosin tail (IPR002928) of the encoded protein sequence. Three of five in-silico tools predict a damaging effect of the variant on protein function. The variant allele was found at a frequency of 1.2e-05 in 251456 control chromosomes. The available data on variant occurrences in the general population are insufficient to allow any conclusion about variant significance. c.2573G>A has been reported in the literature in individuals affected with Cardiomyopathy (example, Song_2005, Gandjbakhch_2010, Olfson_2015, Hou_2020, Stava_2022, Kurzlechner_2022, Dai_2021, Rijdt_2017). These report(s) do not provide unequivocal conclusions about association of the variant with Cardiomyopathy. To our knowledge, no experimental evidence demonstrating an impact on protein function has been reported. Additionally, several missense variants at the Arg858 residue have been reported in individuals with Cardiomyopathy, among which, p.Arg858Cys may be associated with disease (ClinVar ID: 164324), suggesting that this codon may be functionally important. The following publications have been ascertained in the context of this evaluation (PMID: 34333030, 22763267, 31980526, 35629155, 26332594, 28759816, 15563892, 35653365). Four submitters have cited clinical-significance assessments for this variant to ClinVar after 2014 (VUS, n=2; Likely pathogenic, n=2). Based on the evidence outlined above, the variant was classified as VUS-possibly pathogenic.

Blueprint Genetics
Classification: Likely pathogenic for MYH7-related disorders. Last evaluated: 2022-11-21. Review status: criteria provided, single submitter. Criteria: ACMG Guidelines, 2015. Collection method: clinical testing. Allele origin: germline. Affected: yes. Observed: 3 variant alleles.

Laboratory for Molecular Medicine, Mass General Brigham Personalized Medicine
Classification: Likely pathogenic for Hypertrophic cardiomyopathy. Last evaluated: 2020-09-01. Review status: criteria provided, single submitter. Criteria: LMM Criteria. Collection method: clinical testing. Allele origin: germline. Observed: 1 variant allele.
Comment: The p.Arg858His variant in MYH7 has been identified in at least 4 individuals with HCM (Song 2005, Berge 2014, Walsh 2017, LMM data) and was identified in 3/251456 chromosomes by gnomAD. It has also been reported in ClinVar (Variation ID #177696). Computational prediction tools and conservation analysis suggest that this variant may not impact the protein, though this information is not predictive enough to rule out pathogenicity. Of note, this variant lies in the head region of the protein and missense variants in this region are statistically more likely to be disease-associated (Walsh 2016). In addition, another variant involving this amino acid, p.Arg858Cys, has been classified as pathogenic by this laboratory. In summary, although additional studies are required to fully establish its clinical significance, the p.Arg858GHis variant is likely pathogenic. ACMG/AMP Criteria applied: PM1, PM2, PM5, PS4_Supporting, BP4.

Literature cited by the submitters: PubMed 15563892 (cited by 6 submitters); PubMed 25351510 (cited by 3 submitters); PubMed 27532257 (cited by 4 submitters); PubMed 31980526 (cited by 4 submitters); PubMed 37121957 (cited by Labcorp Genetics (formerly Invitae), Labcorp and Color Diagnostics, LLC DBA Color Health); PubMed 37652022 (cited by Labcorp Genetics (formerly Invitae), Labcorp); PubMed 15358028 (cited by Labcorp Genetics (formerly Invitae), Labcorp and 3billion); PubMed 24093860 (cited by Labcorp Genetics (formerly Invitae), Labcorp); PubMed 28498465 (cited by Labcorp Genetics (formerly Invitae), Labcorp); PubMed 24111713 (cited by 3 submitters); PubMed 28759816 (cited by 3 submitters); PubMed 22763267 (cited by 3 submitters); PubMed 34426522 (cited by Ambry Genetics); PubMed 26332594 (cited by Women's Health and Genetics/Laboratory Corporation of America, LabCorp and Laboratory for Molecular Medicine, Mass General Brigham Personalized Medicine); PubMed 34333030 (cited by Women's Health and Genetics/Laboratory Corporation of America, LabCorp); PubMed 35629155 (cited by Women's Health and Genetics/Laboratory Corporation of America, LabCorp); PubMed 35653365 (cited by Women's Health and Genetics/Laboratory Corporation of America, LabCorp).

NM_000257.4(MYH7):c.2573G>A (p.Arg858His)

Genes: MYH7 (myosin heavy chain 7; minus strand), LOC126861898 (BRD4-independent group 4 enhancer GRCh37_chr14:23893609-23894808; plus strand). Cytogenetic location: 14q11.2.
Variant type: single nucleotide variant.
Coding change: c.2573G>A on transcript NM_000257.4 (MANE Select); coding-DNA position 2573, G replaced by A.
Protein change: p.Arg858His; replaces arginine 858 with histidine.
Molecular consequence: missense variant.
Genome position (GRCh38, 1-based): chr14:23,424,875, C>T on the plus strand (G>A on the coding strand, the complement: MYH7 is on the minus strand). VCF-style: chr14-23424875-C-T. GRCh37 (hg19) VCF-style: chr14-23894084-C-T.
Other names: c.2573G>A (NM_000257.3); short protein forms R858H.
Identifiers: ClinVar variation 177696 (VCV000177696.23), dbSNP rs2856897, ClinGen allele CA012665.